The following is an entry in ClinVar:

NM_000276.4(OCRL):c.2582-3T>A

Gene: OCRL (OCRL inositol polyphosphate-5-phosphatase; plus strand). Cytogenetic location: Xq26.1.
Variant type: single nucleotide variant.
Coding change: c.2582-3T>A on transcript NM_000276.4 (MANE Select); 3 bases into the intron before coding-DNA position 2582, T replaced by A.
Molecular consequence: intron variant.
Genome position (GRCh38, 1-based): chrX:129,590,143, T>A. VCF-style: chrX-129590143-T-A. GRCh37 (hg19) VCF-style: chrX-128724120-T-A.
Other names: c.2585-3T>A (NM_001318784.2); c.2558-3T>A (NM_001587.4).
Identifiers: ClinVar variation 1357916 (VCV001357916.6), dbSNP rs2124430712, ClinGen allele CA2573159296.
Genomic context (GRCh38, chrX:129,590,143, plus strand): 5'-CCTGAGGTTTTGCTTAGGTTATGTCTGACAGAAGTTTCCGCTTGTCTTTCTCTCGTCTTG[T>A]AGCTACTCTCTTCACTAGTCTTCTCCTGAGGCCTCCACCCAACCTTATGGCAAGACAGAC-3'

ClinVar aggregate classification (germline): Uncertain significance (1 of 4 stars; one submission).

Conditions:
Lowe syndrome (OCRL). Also called: LOWE OCULOCEREBRORENAL SYNDROME; PHOSPHATIDYLINOSITOL 4,5-BISPHOSPHATE 5-PHOSPHATASE DEFICIENCY; Oculocerebrorenal Syndrome. Identifiers: Orphanet 534, MedGen C0028860, MONDO:0010645, OMIM 309000.

Allele frequency attached by ClinVar (database versions not stated): gnomAD exomes below 0.00001.
gnomAD v4.1: 1 of 1,211,791 alleles (0.000083%); highest among the groups gnomAD compares: Non-Finnish European, 0.00011%; no homozygotes.

Submission:

Labcorp Genetics (formerly Invitae), Labcorp
Classification: Uncertain significance for Lowe syndrome. Last evaluated: 2021-02-02. Review status: criteria provided, single submitter. Criteria: Invitae Variant Classification Sherloc (09022015). Collection method: clinical testing. Allele origin: germline.
Comment: Nucleotide substitutions within the consensus splice site are a relatively common cause of aberrant splicing (PMID: 17576681, 9536098). Algorithms developed to predict the effect of sequence changes on RNA splicing suggest that this variant is not likely to affect RNA splicing, but this prediction has not been confirmed by published transcriptional studies. In summary, the available evidence is currently insufficient to determine the role of this variant in disease. Therefore, it has been classified as a Variant of Uncertain Significance. This variant has not been reported in the literature in individuals with OCRL-related conditions. This sequence change falls in intron 23 of the OCRL gene. It does not directly change the encoded amino acid sequence of the OCRL protein. It affects a nucleotide within the consensus splice site of the intron. This variant is not present in population databases (ExAC no frequency).

Literature cited by the submitters: PubMed 17576681; PubMed 9536098.